The following is an entry in ClinVar:

NM_031935.3(HMCN1):c.15551C>T (p.Thr5184Ile)

Gene: HMCN1 (hemicentin 1; plus strand). Cytogenetic location: 1q31.1.
Variant type: single nucleotide variant.
Coding change: c.15551C>T on transcript NM_031935.3 (MANE Select); coding-DNA position 15551, C replaced by T.
Protein change: p.Thr5184Ile; replaces threonine 5184 with isoleucine.
Molecular consequence: missense variant.
Genome position (GRCh38, 1-based): chr1:186,166,919, C>T. VCF-style: chr1-186166919-C-T. GRCh37 (hg19) VCF-style: chr1-186136051-C-T.
Other names: c.15551C>T (NM_031935.2); short protein forms T5184I.
Identifiers: ClinVar variation 2176629 (VCV002176629.5), dbSNP rs142062263, ClinGen allele CA1295294.

ClinVar aggregate classification (germline): Uncertain significance. Review status: criteria provided, multiple submitters, no conflicts (2 of 4 stars). 2 submissions from 2 submitters: Uncertain significance (2). Last evaluated 2025-08-02.

Allele frequency attached by ClinVar (database versions not stated): ESP Exome Variant Server 0.00008.
gnomAD v4.1: 4 of 1,614,022 alleles (0.00025%); highest among the groups gnomAD compares: African/African-American, 0.004%; no homozygotes.

Submissions (2):

Ambry Genetics
Classification: Uncertain significance. Last evaluated: 2025-08-02. Review status: criteria provided, single submitter. Criteria: Ambry Variant Classification Scheme 2023. Collection method: clinical testing. Allele origin: germline.

Labcorp Genetics (formerly Invitae), Labcorp
Classification: Uncertain significance. Last evaluated: 2025-04-28. Review status: criteria provided, single submitter. Criteria: Invitae Variant Classification Sherloc (09022015). Collection method: clinical testing. Allele origin: germline.
Comment: This sequence change replaces threonine, which is neutral and polar, with isoleucine, which is neutral and non-polar, at codon 5184 of the HMCN1 protein (p.Thr5184Ile). This variant is present in population databases (rs142062263, gnomAD 0.007%). This variant has not been reported in the literature in individuals affected with HMCN1-related conditions. ClinVar contains an entry for this variant (Variation ID: 2176629). An algorithm developed to predict the effect of missense changes on protein structure and function (PolyPhen-2) suggests that this variant is likely to be disruptive. In summary, the available evidence is currently insufficient to determine the role of this variant in disease. Therefore, it has been classified as a Variant of Uncertain Significance.